The following is an entry in ClinVar:

ClinVar aggregate classification (germline): Conflicting classifications of pathogenicity. Review status: criteria provided, conflicting classifications (1 of 4 stars). 5 submissions from 5 submitters: Uncertain significance (1); Likely benign (4). Last evaluated 2025-11-11.

Conditions:
Hereditary cancer-predisposing syndrome. Also called: Neoplastic Syndromes, Hereditary; Tumor predisposition; Hereditary Cancer Syndrome; Hereditary neoplastic syndrome. Identifiers: Orphanet 140162, MedGen C0027672, MeSH D009386, MONDO:0015356.
Tuberous sclerosis syndrome (TSC). Also called: Tuberous Sclerosis Complex; Tuberous sclerosis. Identifiers: Orphanet 805, MedGen C0041341, MONDO:0001734.
Tuberous sclerosis 2 (TSC2). Identifiers: Orphanet 805, MedGen C1860707, MONDO:0013199, OMIM 613254.

Allele frequency attached by ClinVar (database versions not stated): TOPMed below 0.00001; gnomAD exomes 0.00001 and 0.00002.
gnomAD v4.1: 26 of 1,608,952 alleles (0.0016%); highest among the groups gnomAD compares: Non-Finnish European, 0.002%; no homozygotes.

Submissions (5):

Labcorp Genetics (formerly Invitae), Labcorp
Classification: Likely benign for Tuberous sclerosis 2. Last evaluated: 2025-11-11. Review status: criteria provided, single submitter. Criteria: Invitae Variant Classification Sherloc (09022015). Collection method: clinical testing. Allele origin: germline.

Myriad Genetics, Inc.
Classification: Likely benign for Tuberous sclerosis 2. Last evaluated: 2025-05-28. Review status: criteria provided, single submitter. Criteria: Myriad Autosomal Dominant, Autosomal Recessive and X-Linked Classification Criteria (2023). Collection method: clinical testing. Allele origin: unknown.
Comment: This variant is considered likely benign. This variant is intronic and is not expected to impact mRNA splicing.

Blueprint Genetics
Classification: Likely benign. Last evaluated: 2023-05-31. Review status: criteria provided, single submitter. Criteria: ACMG Guidelines, 2015. Collection method: clinical testing. Allele origin: germline.

All of Us Research Program, National Institutes of Health
Classification: Uncertain significance for Tuberous sclerosis syndrome. Last evaluated: 2023-04-10. Review status: criteria provided, single submitter. Criteria: ACMG Guidelines, 2015. Collection method: clinical testing. Allele origin: germline. Inheritance: Autosomal dominant inheritance. Observed: 1 variant allele, 1 heterozygote.
Comment: This variant causes a C to T nucleotide substitution at the -5 position of intron 28 of the TSC2 gene. Splice site prediction tools suggest that this variant may not impact RNA splicing. To our knowledge, functional studies have not been reported for this variant. This variant has not been reported in individuals affected with TSC2-related disorders in the literature. This variant has been identified in 2/239318 chromosomes in the general population by the Genome Aggregation Database (gnomAD). The available evidence is insufficient to determine the role of this variant in disease conclusively. Therefore, this variant is classified as a Variant of Uncertain Significance.

This study involves interpretation of variants in research participants for the purpose of population health screening. Participant phenotype was not available at the time of variant classification. Additional details can be found in publication PMID: 35346344, PMCID: PMC8962531

Ambry Genetics
Classification: Likely benign for Hereditary cancer-predisposing syndrome. Last evaluated: 2022-08-24. Review status: criteria provided, single submitter. Criteria: Ambry Variant Classification Scheme 2023. Collection method: clinical testing. Allele origin: germline.

NM_000548.5(TSC2):c.3285-5C>T

Gene: TSC2 (TSC complex subunit 2; plus strand). Cytogenetic location: 16p13.3.
Variant type: single nucleotide variant.
Coding change: c.3285-5C>T on transcript NM_000548.5 (MANE Select); 5 bases into the intron before coding-DNA position 3285, C replaced by T.
Molecular consequence: intron variant.
Genome position (GRCh38, 1-based): chr16:2,079,552, C>T. VCF-style: chr16-2079552-C-T. GRCh37 (hg19) VCF-style: chr16-2129553-C-T.
Other names: c.3285-5C>T (NM_001114382.3); c.3156-5C>T (NM_021055.3, NM_001370405.1, NM_001363528.2); c.3153-5C>T (NM_001370404.1, NM_001077183.3); c.3045-5C>T (NM_001318827.2); c.2553-5C>T (NM_001318831.2); c.3009-5C>T (NM_001318829.2); c.3186-5C>T (NM_001318832.2).
Identifiers: ClinVar variation 536011 (VCV000536011.17), dbSNP rs1444989940, ClinGen allele CA620377851.
Genomic context (GRCh38, chr16:2,079,552, plus strand): 5'-CCACGTGGCACCCTCGTACCAGCCTGGGGACTAAGTCCACCCTGTGCGTGGGATTCTCTT[C>T]TCAGCTCCAGCCCCGGGGTGCATGTGAGACAGACCAAGGAGGCGCCGGCCAAGCTGGAGT-3'